The following is an entry in ClinVar:

ClinVar aggregate classification (germline): Likely benign (1 of 4 stars; one submission).

Conditions:
Tumor predisposition syndrome 2 (TPDS2). Also called: MBD4-ASSOCIATED NEOPLASIA SYNDROME; MBD4-Related Tumor Predisposition Syndrome; MBD4-associated neoplasia syndrome (MANS). Identifiers: Orphanet 661526, MedGen C5774186, MONDO:0859267, OMIM 619975.

Submission:

Myriad Genetics, Inc.
Classification: Likely benign for Tumor predisposition syndrome 2. Last evaluated: 2026-06-09. Review status: criteria provided, single submitter. Criteria: Myriad Autosomal Dominant, Autosomal Recessive and X-Linked Classification Criteria (2023). Collection method: clinical testing. Allele origin: unknown.
Comment: This variant is considered likely benign. This variant is intronic and is not expected to impact mRNA splicing.

NM_001276270.2(MBD4):c.1259-8T>C

Gene: MBD4 (methyl-CpG binding domain 4, DNA glycosylase; minus strand). Cytogenetic location: 3q21.3.
Variant type: single nucleotide variant.
Coding change: c.1259-8T>C on transcript NM_001276270.2 (MANE Select); 8 bases into the intron before coding-DNA position 1259, T replaced by C.
Molecular consequence: intron variant.
Genome position (GRCh38, 1-based): chr3:129,433,992, A>G on the plus strand (T>C on the coding strand, the complement: MBD4 is on the minus strand). VCF-style: chr3-129433992-A-G. GRCh37 (hg19) VCF-style: chr3-129152835-A-G.
Other names: c.323-8T>C (NM_001276273.2); c.1277-8T>C (NM_001276272.2, NM_003925.3, NM_001276271.2).
Identifiers: ClinVar variation 4875815 (VCV004875815.1).